The following is an entry in ClinVar:

NM_012200.4(B3GAT3):c.971G>A (p.Arg324Gln)

Gene: B3GAT3 (beta-1,3-glucuronyltransferase 3; minus strand). Cytogenetic location: 11q12.3.
Variant type: single nucleotide variant.
Coding change: c.971G>A on transcript NM_012200.4 (MANE Select); coding-DNA position 971, G replaced by A.
Protein change: p.Arg324Gln; replaces arginine 324 with glutamine.
Molecular consequence: missense variant. On other transcripts: 3 prime UTR variant (2), non-coding transcript variant (1).
Genome position (GRCh38, 1-based): chr11:62,615,738, C>T on the plus strand (G>A on the coding strand, the complement: B3GAT3 is on the minus strand). VCF-style: chr11-62615738-C-T. GRCh37 (hg19) VCF-style: chr11-62383210-C-T.
Other names: p.Arg324Gln; c.950G>A, p.Arg317Gln (NM_001288721.2); c.*448G>A (NM_001288722.2); c.*464G>A (NM_001288723.2); c.971G>A (NM_012200.3); short protein forms R317Q, R324Q.
Identifiers: ClinVar variation 1435237 (VCV001435237.8), dbSNP rs369154163, ClinGen allele CA6049940.

ClinVar aggregate classification (germline): Uncertain significance. Review status: criteria provided, multiple submitters, no conflicts (2 of 4 stars). 4 submissions from 4 submitters: Uncertain significance (4). Last evaluated 2024-08-29.

Conditions:
Larsen-like syndrome, B3GAT3 type. Also called: Multiple joint dislocations, short stature, craniofacial dysmorphism, with or without congenital heart defects; MULTIPLE JOINT DISLOCATIONS, SHORT STATURE, AND CRANIOFACIAL DYSMORPHISM WITH OR WITHOUT CONGENITAL HEART DEFECTS. Identifiers: Orphanet 284139, MedGen CN034159, MONDO:0009511, OMIM 245600.
Inborn genetic diseases. Identifiers: MedGen C0950123, MeSH D030342.

Allele frequency attached by ClinVar (database versions not stated): TOPMed 0.00003; gnomAD 0.00004 and 0.00005; ESP Exome Variant Server 0.00008; gnomAD exomes 0.00001 and 0.00003; ExAC 0.00003.
gnomAD v4.1: 51 of 1,613,996 alleles (0.0032%); highest among the groups gnomAD compares: Middle Eastern, 0.016%; no homozygotes.

Submissions (4):

GeneDx
Classification: Uncertain significance. Last evaluated: 2024-08-29. Review status: criteria provided, single submitter. Criteria: GeneDx Variant Classification Process June 2021. Collection method: clinical testing. Allele origin: germline. Affected: yes.
Comment: Not observed at significant frequency in large population cohorts (gnomAD); In silico analysis indicates that this missense variant does not alter protein structure/function; Has not been previously published as pathogenic or benign to our knowledge

Mayo Clinic Laboratories, Mayo Clinic
Classification: Uncertain significance. Last evaluated: 2023-12-29. Review status: criteria provided, single submitter. Criteria: ACMG Guidelines, 2015. Collection method: clinical testing. Allele origin: germline. Observed: 1 variant allele.
Comment: BP4

Ambry Genetics
Classification: Uncertain significance for Inborn genetic diseases. Last evaluated: 2023-12-18. Review status: criteria provided, single submitter. Criteria: Ambry Variant Classification Scheme 2023. Collection method: clinical testing. Allele origin: germline.

Labcorp Genetics (formerly Invitae), Labcorp
Classification: Uncertain significance for Larsen-like syndrome, B3GAT3 type. Last evaluated: 2022-07-06. Review status: criteria provided, single submitter. Criteria: Invitae Variant Classification Sherloc (09022015). Collection method: clinical testing. Allele origin: germline.
Comment: This sequence change replaces arginine, which is basic and polar, with glutamine, which is neutral and polar, at codon 324 of the B3GAT3 protein (p.Arg324Gln). This variant is present in population databases (rs369154163, gnomAD 0.003%). This variant has not been reported in the literature in individuals affected with B3GAT3-related conditions. ClinVar contains an entry for this variant (Variation ID: 1435237). Algorithms developed to predict the effect of missense changes on protein structure and function (SIFT, PolyPhen-2, Align-GVGD) all suggest that this variant is likely to be tolerated. In summary, the available evidence is currently insufficient to determine the role of this variant in disease. Therefore, it has been classified as a Variant of Uncertain Significance.